The following is an entry in ClinVar:

NM_006005.3(WFS1):c.2051C>G (p.Ala684Gly)

Gene: WFS1 (wolframin ER transmembrane glycoprotein; plus strand). Cytogenetic location: 4p16.1.
Variant type: single nucleotide variant.
Coding change: c.2051C>G on transcript NM_006005.3 (MANE Select); coding-DNA position 2051, C replaced by G.
Protein change: p.Ala684Gly; replaces alanine 684 with glycine.
Molecular consequence: missense variant.
Genome position (GRCh38, 1-based): chr4:6,301,846, C>G. VCF-style: chr4-6301846-C-G. GRCh37 (hg19) VCF-style: chr4-6303573-C-G.
Other names: c.2051C>G, p.Ala684Gly (NM_001145853.1); short protein forms A684G.
Identifiers: ClinVar variation 930623 (VCV000930623.11), dbSNP rs387906930, ClinGen allele CA356177610.

ClinVar aggregate classification (germline): Conflicting classifications of pathogenicity. Review status: criteria provided, conflicting classifications (1 of 4 stars). 2 submissions from 2 submitters: Pathogenic (1); Uncertain significance (1). Last evaluated 2023-12-18.

Conditions:
Type 2 diabetes mellitus. Also called: Type II diabetes mellitus. Identifiers: MedGen C0011860, MeSH D003924, MONDO:0005148, OMIM 125853, HP:0005978.

Allele frequency attached by ClinVar (database versions not stated): gnomAD 0.00001; TOPMed 0.00001.
gnomAD v4.1: 24 of 1,612,818 alleles (0.0015%); highest among the groups gnomAD compares: Non-Finnish European, 0.0019%; no homozygotes.

Submissions (2):

Labcorp Genetics (formerly Invitae), Labcorp
Classification: Pathogenic. Last evaluated: 2023-12-18. Review status: criteria provided, single submitter. Criteria: Invitae Variant Classification Sherloc (09022015). Collection method: clinical testing. Allele origin: germline.
Comment: This sequence change replaces alanine, which is neutral and non-polar, with glycine, which is neutral and non-polar, at codon 684 of the WFS1 protein (p.Ala684Gly). This variant is present in population databases (no rsID available, gnomAD 0.007%). This missense change has been observed in individual(s) with autosomal recessive Wolfram syndrome (PMID: 21143470). ClinVar contains an entry for this variant (Variation ID: 930623). Advanced modeling of protein sequence and biophysical properties (such as structural, functional, and spatial information, amino acid conservation, physicochemical variation, residue mobility, and thermodynamic stability) performed at Invitae indicates that this missense variant is expected to disrupt WFS1 protein function with a positive predictive value of 95%. This variant disrupts the p.Ala684 amino acid residue in WFS1. Other variant(s) that disrupt this residue have been determined to be pathogenic (PMID: 11295831, 21067485). This suggests that this residue is clinically significant, and that variants that disrupt this residue are likely to be disease-causing. For these reasons, this variant has been classified as Pathogenic.

Centre for Mendelian Genomics, University Medical Centre Ljubljana
Classification: Uncertain significance for Type 2 diabetes mellitus. Last evaluated: 2019-09-05. Review status: criteria provided, single submitter. Criteria: ACMG Guidelines, 2015. Collection method: clinical testing. Allele origin: unknown. Affected: yes.
Comment: This variant was classified as: Uncertain significance. The available evidence on this variant's pathogenicity is insufficient or conflicting. The following ACMG criteria were applied in classifying this variant: PM2,PM5,PP3.

Literature cited by the submitters: PubMed 21143470 (cited by Labcorp Genetics (formerly Invitae), Labcorp); PubMed 11295831 (cited by Labcorp Genetics (formerly Invitae), Labcorp); PubMed 21067485 (cited by Labcorp Genetics (formerly Invitae), Labcorp).